The following is an entry in ClinVar:

NM_020297.4(ABCC9):c.3567-6C>T

Genes: ABCC9 (ATP binding cassette subfamily C member 9; minus strand), KCNJ8-AS1 (KCNJ8 antisense RNA 1; plus strand). Cytogenetic location: 12p12.1.
Variant type: single nucleotide variant.
Coding change: c.3567-6C>T on transcript NM_020297.4 (MANE Select); 6 bases into the intron before coding-DNA position 3567, C replaced by T.
Molecular consequence: intron variant.
Genome position (GRCh38, 1-based): chr12:21,829,066, G>A on the plus strand (C>T on the coding strand, the complement: ABCC9 is on the minus strand). VCF-style: chr12-21829066-G-A. GRCh37 (hg19) VCF-style: chr12-21982000-G-A.
Other names: c.2700-6C>T (NM_001377274.1); c.3567-6C>T (NM_005691.4, NM_001377273.1).
Identifiers: ClinVar variation 3377549 (VCV003377549.1).

ClinVar aggregate classification (germline): Uncertain significance (1 of 4 stars; one submission).

Conditions:
Intellectual disability and myopathy syndrome (IDMYS). Identifiers: MedGen C5676904, MONDO:0859224, OMIM 619719.

gnomAD v4.1: 2 of 1,606,182 alleles (0.00012%); highest among the groups gnomAD compares: Admixed American, 0.0017%; no homozygotes.

Submission:

Neuberg Centre For Genomic Medicine, NCGM
Classification: Uncertain significance for Intellectual disability and myopathy syndrome. Last evaluated: 2023-06-22. Review status: criteria provided, single submitter. Criteria: ACMG Guidelines, 2015. Collection method: clinical testing. Allele origin: germline. Inheritance: Autosomal recessive inheritance. Affected: yes.
Comment: The observed splice region c.3567-6C>T variant in ABCC9 gene has not been reported previously as a pathogenic variant nor a benign variant, to our knowledge. The c.3567-6C>T variant has been reported with allele frequency of 0.0004% in gnomAD Exomes. This variant has not been submitted to the ClinVar database. Additonal functional studies will be required to prove the pathogenicity of this variant. For these reasons, this variant has been classified as a Variant of Uncertain Significance (VUS).